The following is an entry in ClinVar:

NM_000064.4(C3):c.3914C>A (p.Ser1305Tyr)

Gene: C3 (complement C3; minus strand). Cytogenetic location: 19p13.3.
Variant type: single nucleotide variant.
Coding change: c.3914C>A on transcript NM_000064.4 (MANE Select); coding-DNA position 3914, C replaced by A.
Protein change: p.Ser1305Tyr; replaces serine 1305 with tyrosine.
Molecular consequence: missense variant.
Genome position (GRCh38, 1-based): chr19:6,685,043, G>T on the plus strand (C>A on the coding strand, the complement: C3 is on the minus strand). VCF-style: chr19-6685043-G-T. GRCh37 (hg19) VCF-style: chr19-6685054-G-T.
Other names: c.3914C>A (NM_000064.2); short protein forms S1305Y.
Identifiers: ClinVar variation 1038496 (VCV001038496.10), dbSNP rs1336193098, ClinGen allele CA403618375.
Genomic context (GRCh38, chr19:6,685,043, plus strand): 5'-TGTACCTCTTCTGATCGCAGGAGGCTGGCAGATTCCCAGTGGATACGGTGGGTGATCTTG[G>T]AGCTGCGGCTGGGCAGTTGGAGGGACACATCAAGGTTCAGTTCCTGGTGGTCAGGGGCGT-3'
Protein context (NP_000055.2, residues 1295-1315): DVSLQLPSRS[Ser1305Tyr]KITHRIHWES

ClinVar aggregate classification (germline): Uncertain significance. Review status: criteria provided, multiple submitters, no conflicts (2 of 4 stars). 3 submissions from 3 submitters: Uncertain significance (3). Last evaluated 2023-09-26.

Conditions:
Inborn genetic diseases. Identifiers: MedGen C0950123, MeSH D030342.

Allele frequency attached by ClinVar (database versions not stated): TOPMed below 0.00001; gnomAD 0.00001.
gnomAD v4.1: 10 of 1,613,946 alleles (0.00062%); highest among the groups gnomAD compares: Non-Finnish European, 0.00085%; no homozygotes.

Submissions (3):

Blueprint Genetics
Classification: Uncertain significance. Last evaluated: 2023-09-26. Review status: criteria provided, single submitter. Criteria: ACMG Guidelines, 2015. Collection method: clinical testing. Allele origin: germline.

Ambry Genetics
Classification: Uncertain significance for Inborn genetic diseases. Last evaluated: 2022-11-17. Review status: criteria provided, single submitter. Criteria: Ambry Variant Classification Scheme 2023. Collection method: clinical testing. Allele origin: germline.

Labcorp Genetics (formerly Invitae), Labcorp
Classification: Uncertain significance. Last evaluated: 2020-10-28. Review status: criteria provided, single submitter. Criteria: Invitae Variant Classification Sherloc (09022015). Collection method: clinical testing. Allele origin: germline.
Comment: In summary, the available evidence is currently insufficient to determine the role of this variant in disease. Therefore, it has been classified as a Variant of Uncertain Significance. Algorithms developed to predict the effect of missense changes on protein structure and function are either unavailable or do not agree on the potential impact of this missense change (SIFT: "Deleterious"; PolyPhen-2: "Benign"; Align-GVGD: "Class C0"). This variant has not been reported in the literature in individuals with C3-related conditions. This variant is not present in population databases (ExAC no frequency). This sequence change replaces serine with tyrosine at codon 1305 of the C3 protein (p.Ser1305Tyr). The serine residue is moderately conserved and there is a large physicochemical difference between serine and tyrosine.